The following is an entry in ClinVar:

NM_014956.5(CEP164):c.3016G>A (p.Ala1006Thr)

Gene: CEP164 (centrosomal protein 164; plus strand). Cytogenetic location: 11q23.3.
Variant type: single nucleotide variant.
Coding change: c.3016G>A on transcript NM_014956.5 (MANE Select); coding-DNA position 3016, G replaced by A.
Protein change: p.Ala1006Thr; replaces alanine 1006 with threonine.
Molecular consequence: missense variant.
Genome position (GRCh38, 1-based): chr11:117,395,649, G>A. VCF-style: chr11-117395649-G-A. GRCh37 (hg19) VCF-style: chr11-117266365-G-A.
Other names: c.3025G>A, p.Ala1009Thr (NM_001271933.2, NM_001440949.1); c.3016G>A, p.Ala1006Thr (NM_001440950.1, NM_001440951.1, NM_001440953.1); c.2851G>A, p.Ala951Thr (NM_001440952.1, NM_001440968.1, NM_001440969.1); c.2938G>A, p.Ala980Thr (NM_001440954.1, NM_001440955.1, NM_001440958.1 and 1 more transcripts); c.2929G>A, p.Ala977Thr (NM_001440956.1, NM_001440957.1); c.2887G>A, p.Ala963Thr (NM_001440960.1); c.2878G>A, p.Ala960Thr (NM_001440961.1, NM_001440967.1); c.2869G>A, p.Ala957Thr (NM_001440962.1, NM_001440963.1, NM_001440964.1 and 4 more transcripts); and 7 more; short protein forms A1009T, A887T, A910T, A957T, A960T, A1006T, A951T, A977T.
Identifiers: ClinVar variation 5001634 (VCV005001634.1).
Genomic context (GRCh38, chr11:117,395,649, plus strand): 5'-GAGCACACCCACCTGTTGCAGTCAAACCAGCAGCTCCGAGAAATTCTTGATGAGCTGCAG[G>A]CCCGCAAGCTGAAGCTGGAGTCCCAAGTGGATCTGCTGCAGGCTCAGAGCCAGCAACTGC-3'
Protein context (NP_055771.4, residues 996-1016): QLREILDELQ[Ala1006Thr]RKLKLESQVD

ClinVar aggregate classification (germline): Uncertain significance (1 of 4 stars; one submission).

Conditions:
CEP164-related disorder. Also called: CEP164-related condition.

gnomAD v4.1: 1 of 1,613,792 alleles (0.000062%); highest among the groups gnomAD compares: Non-Finnish European, 0.000085%; no homozygotes.

Submission:

PreventionGenetics, part of Exact Sciences
Classification: Uncertain significance for CEP164-related condition. Last evaluated: 2026-08-11. Review status: criteria provided, single submitter. Criteria: ACMG Guidelines, 2015. Collection method: clinical testing. Allele origin: germline.
Comment: The CEP164 c.3016G>A variant is predicted to result in the amino acid substitution p.Ala1006Thr. To our knowledge, this variant has not been reported in the literature. This variant is reported in 0.00088% of alleles in individuals of European (Non-Finnish) descent in gnomAD. At this time, the clinical significance of this variant is uncertain due to the absence of conclusive functional and genetic evidence.